The following is an entry in ClinVar:

ClinVar aggregate classification (germline): Uncertain significance (1 of 4 stars; one submission).

Conditions:
Cardiovascular phenotype. Identifiers: MedGen CN230736.

Allele frequency attached by ClinVar (database versions not stated): gnomAD exomes below 0.00001; TOPMed below 0.00001.
gnomAD v4.1: 1 of 1,601,356 alleles (0.000062%); highest among the groups gnomAD compares: African/African-American, 0.0013%; no homozygotes.

Submission:

Ambry Genetics
Classification: Uncertain significance for Cardiovascular phenotype. Last evaluated: 2022-11-10. Review status: criteria provided, single submitter. Criteria: Ambry Variant Classification Scheme 2023. Collection method: clinical testing. Allele origin: germline.
Comment: The p.T587A variant (also known as c.1759A>G), located in coding exon 11 of the EPHB4 gene, results from an A to G substitution at nucleotide position 1759. The threonine at codon 587 is replaced by alanine, an amino acid with similar properties. This amino acid position is conserved. In addition, this alteration is predicted to be tolerated by in silico analysis. Since supporting evidence is limited at this time, the clinical significance of this alteration remains unclear.

NM_004444.5(EPHB4):c.1759A>G (p.Thr587Ala)

Gene: EPHB4 (EPH receptor B4; minus strand). Cytogenetic location: 7q22.1.
Variant type: single nucleotide variant.
Coding change: c.1759A>G on transcript NM_004444.5 (MANE Select); coding-DNA position 1759, A replaced by G.
Protein change: p.Thr587Ala; replaces threonine 587 with alanine.
Molecular consequence: missense variant.
Genome position (GRCh38, 1-based): chr7:100,813,206, T>C on the plus strand (A>G on the coding strand, the complement: EPHB4 is on the minus strand). VCF-style: chr7-100813206-T-C. GRCh37 (hg19) VCF-style: chr7-100410828-T-C.
Other names: short protein forms T587A.
Identifiers: ClinVar variation 2497595 (VCV002497595.2), dbSNP rs1812982284, ClinGen allele CA368570789.